The following is an entry in ClinVar:

ClinVar aggregate classification (germline): Uncertain significance. Review status: criteria provided, multiple submitters, no conflicts (2 of 4 stars). 4 submissions from 4 submitters: Uncertain significance (4). Last evaluated 2026-01-27.

Conditions:
Hereditary cancer-predisposing syndrome. Also called: Neoplastic Syndromes, Hereditary; Tumor predisposition; Hereditary Cancer Syndrome; Hereditary neoplastic syndrome. Identifiers: Orphanet 140162, MedGen C0027672, MeSH D009386, MONDO:0015356.
Retinoblastoma (RB1). Also called: RETINOBLASTOMA, SOMATIC. Identifiers: Orphanet 790, MedGen C0035335, MeSH D012175, MONDO:0008380, OMIM 180200, HP:0009919. Disease mechanism: loss of function. Inheritance: Both sporadic and heritable forms are tested..

Submissions (4):

Labcorp Genetics (formerly Invitae), Labcorp
Classification: Uncertain significance for Retinoblastoma. Last evaluated: 2026-01-27. Review status: criteria provided, single submitter. Criteria: Invitae Variant Classification Sherloc (09022015). Collection method: clinical testing. Allele origin: germline.
Comment: This sequence change replaces glutamic acid, which is acidic and polar, with glycine, which is neutral and non-polar, at codon 629 of the RB1 protein (p.Glu629Gly). This variant is not present in population databases (gnomAD no frequency). This variant has not been reported in the literature in individuals affected with RB1-related conditions. ClinVar contains an entry for this variant (Variation ID: 1781979). Invitae Evidence Modeling of protein sequence and biophysical properties (such as structural, functional, and spatial information, amino acid conservation, physicochemical variation, residue mobility, and thermodynamic stability) indicates that this missense variant is not expected to disrupt RB1 protein function with a negative predictive value of 80%. In summary, the available evidence is currently insufficient to determine the role of this variant in disease. Therefore, it has been classified as a Variant of Uncertain Significance.

Color Diagnostics, LLC DBA Color Health
Classification: Uncertain significance for Retinoblastoma. Last evaluated: 2025-08-30. Review status: criteria provided, single submitter. Criteria: ACMG Guidelines, 2015. Collection method: clinical testing. Allele origin: germline.
Comment: This missense variant replaces glutamic acid with glycine at codon 629 of the RB1 protein. Computational prediction suggests that this variant may not impact protein structure and function. To our knowledge, functional studies have not been reported for this variant. This variant has not been reported in individuals affected with RB1-related disorders in the literature. This variant has not been identified in the general population by the Genome Aggregation Database (gnomAD). The available evidence is insufficient to determine the role of this variant in disease conclusively. Therefore, this variant is classified as a Variant of Uncertain Significance.

Ambry Genetics
Classification: Uncertain significance for Hereditary cancer-predisposing syndrome. Last evaluated: 2024-12-14. Review status: criteria provided, single submitter. Criteria: Ambry Variant Classification Scheme 2023. Collection method: clinical testing. Allele origin: germline.
Comment: The p.E629G variant (also known as c.1886A>G), located in coding exon 19 of the RB1 gene, results from an A to G substitution at nucleotide position 1886. The glutamic acid at codon 629 is replaced by glycine, an amino acid with similar properties. This amino acid position is well conserved in available vertebrate species. In addition, the in silico prediction for this alteration is inconclusive. Since supporting evidence is limited at this time, the clinical significance of this alteration remains unclear.

GeneDx
Classification: Uncertain significance. Last evaluated: 2024-04-25. Review status: criteria provided, single submitter. Criteria: GeneDx Variant Classification Process June 2021. Collection method: clinical testing. Allele origin: germline. Affected: yes.
Comment: Not observed at significant frequency in large population cohorts (gnomAD); In silico analysis indicates that this missense variant does not alter protein structure/function; Has not been previously published as pathogenic or benign to our knowledge; This variant is associated with the following publications: (PMID: 23516486, Day alan_2006_Review)

NM_000321.3(RB1):c.1886A>G (p.Glu629Gly)

Gene: RB1 (RB transcriptional corepressor 1; plus strand). Cytogenetic location: 13q14.2.
Variant type: single nucleotide variant.
Coding change: c.1886A>G on transcript NM_000321.3 (MANE Select); coding-DNA position 1886, A replaced by G.
Protein change: p.Glu629Gly; replaces glutamic acid 629 with glycine.
Molecular consequence: missense variant.
Genome position (GRCh38, 1-based): chr13:48,456,275, A>G. VCF-style: chr13-48456275-A-G. GRCh37 (hg19) VCF-style: chr13-49030411-A-G.
Other names: c.1886A>G, p.Glu629Gly (NM_001407165.1); short protein forms E629G.
Identifiers: ClinVar variation 1781979 (VCV001781979.8), dbSNP rs2138331309, ClinGen allele CA388165996.